The following is an entry in ClinVar:

NM_000090.4(COL3A1):c.997-1G>A

Gene: COL3A1 (collagen type III alpha 1 chain; plus strand). Cytogenetic location: 2q32.2.
Variant type: single nucleotide variant.
Coding change: c.997-1G>A on transcript NM_000090.4 (MANE Select); the canonical splice acceptor site of the intron before coding-DNA position 997, G replaced by A.
Molecular consequence: splice acceptor variant.
Genome position (GRCh38, 1-based): chr2:188,992,886, G>A. VCF-style: chr2-188992886-G-A. GRCh37 (hg19) VCF-style: chr2-189857612-G-A.
Identifiers: ClinVar variation 1254869 (VCV001254869.2), dbSNP rs587779687, ClinGen allele CA349850165.

ClinVar aggregate classification (germline): Pathogenic (1 of 4 stars; one submission).

Submission:

GeneDx
Classification: Pathogenic. Last evaluated: 2021-01-19. Review status: criteria provided, single submitter. Criteria: GeneDx Variant Classification Process June 2021. Collection method: clinical testing. Allele origin: germline. Affected: yes.
Comment: Reported in association with vascular Ehlers-Danlos syndrome (Henneton et al., 2019); Not observed in large population cohorts (Lek et al., 2016); Canonical splice site variant expected to result in aberrant splicing, although in the absence of functional evidence the actual effect of this sequence change is unknown.; Aberrant splicing of coding exons of this gene are a known mechanism of disease (Stenson et al., 2014); This variant is associated with the following publications: (PMID: 30919682, 30474650)